The following is an entry in ClinVar:

ClinVar aggregate classification (germline): Likely benign (1 of 4 stars; one submission).

Submission:

CeGaT Center for Human Genetics Tuebingen
Classification: Likely benign. Last evaluated: 2023-02-01. Review status: criteria provided, single submitter. Criteria: CeGaT Center For Human Genetics Tuebingen Variant Classification Criteria Version 2. Collection method: clinical testing. Allele origin: germline. Affected: yes. Observed: 2 variant alleles.
Comment: GOLGA8IP: BP4, BP7

NC_000015.10:g.22607690G>C

Variant type: single nucleotide variant.
Genome position: GRCh38 VCF-style: chr15-22607690-G-C. GRCh37 (hg19) VCF-style: chr15-23265406-C-G.
Identifiers: ClinVar variation 2644960 (VCV002644960.24), dbSNP rs769092613, ClinGen allele CA7426845.